The following is an entry in ClinVar:

NM_032901.4(COX14):c.81dup (p.Tyr28fs)

Gene: COX14 (cytochrome c oxidase assembly factor COX14; plus strand). Cytogenetic location: 12q13.12.
Variant type: Duplication.
Coding change: c.81dup on transcript NM_032901.4 (MANE Select); coding-DNA position 81, one base duplicated (G; older notation c.81dupG).
Protein change: p.Tyr28fs; shifts the reading frame from tyrosine 28.
Molecular consequence: frameshift variant.
Genome position (GRCh38, 1-based): chr12:50,120,124, G duplicated; the last of 6 consecutive G bases (chr12:50,120,119-50,120,124); duplicating any one gives the same sequence. VCF-style (leftmost placement, unchanged base first): chr12-50120118-T-TG. GRCh37 (hg19) VCF-style: chr12-50513901-T-TG.
Other names: c.81dup, p.Tyr28fs (NM_001257133.2, NM_001257134.2); short protein forms Y28fs.
Identifiers: ClinVar variation 214250 (VCV000214250.1), dbSNP rs34028295, ClinGen allele CA320804.

ClinVar aggregate classification (germline): Likely pathogenic (1 of 4 stars; one submission).

Submission:

GeneDx
Classification: Likely pathogenic. Last evaluated: 2015-01-20. Review status: criteria provided, single submitter. Criteria: GeneDx Variant Classification (06012015). Collection method: clinical testing. Allele origin: germline. Affected: yes.
Comment: c.81dupG: p.Tyr28ValfsX39 in exon 2 in the COX14 gene (NM_032901.3). The normal sequence with the base that is duplicated in braces is: TGGGGG{G}TACC. The c.81dupG variant in the COX14 gene has not been reported previously as a disease-causing mutation nor as a benign polymorphism, to our knowledge. The c.81dupG variant causes a frameshift starting with codon Tyrosine 28, changes this amino acid to a Valine residue, and creates a premature Stop codon at position 39 of the new reading frame, denoted p.Tyr28ValfsX39. The c.81dupG variant was not observed in approximately 6500 individuals of European and African American ancestry in the NHLBI Exome Sequencing Project, indicating it is not a common benign variant in these populations. The c.81dupG variant is a good candidate for a disease-causing mutation, however the possibility it may be a rare benign variant cannot be excluded. The varaint was found in the COX14 panel(s).